The following is an entry in ClinVar:

ClinVar aggregate classification (germline): Likely benign. Review status: criteria provided, multiple submitters, no conflicts (2 of 4 stars). 2 submissions from 2 submitters: Likely benign (2). Last evaluated 2026-01-12.

Conditions:
Dilated cardiomyopathy 1G (CMD1G). Identifiers: Orphanet 154, MedGen C1858763, MONDO:0011400, OMIM 604145.
Autosomal recessive limb-girdle muscular dystrophy type 2J (LGMDR10). Also called: MUSCULAR DYSTROPHY, LIMB-GIRDLE, AUTOSOMAL RECESSIVE 10; Limb-girdle muscular dystrophy, type 2J. Identifiers: Orphanet 140922, MedGen C1837342, MONDO:0012127, OMIM 608807.

Allele frequency attached by ClinVar (database versions not stated): gnomAD exomes below 0.00001.
gnomAD v4.1: 2 of 1,613,360 alleles (0.00012%); highest among the groups gnomAD compares: Non-Finnish European, 0.000085%; no homozygotes.

Submissions (2):

Labcorp Genetics (formerly Invitae), Labcorp
Classification: Likely benign for Dilated cardiomyopathy 1G; Autosomal recessive limb-girdle muscular dystrophy type 2J. Last evaluated: 2026-01-12. Review status: criteria provided, single submitter. Criteria: Invitae Variant Classification Sherloc (09022015). Collection method: clinical testing. Allele origin: germline.

GeneDx
Classification: Likely benign. Last evaluated: 2018-05-08. Review status: criteria provided, single submitter. Criteria: GeneDx Variant Classification (06012015). Collection method: clinical testing. Allele origin: germline. Affected: yes.
Comment: This variant is considered likely benign or benign based on one or more of the following criteria: it is a conservative change, it occurs at a poorly conserved position in the protein, it is predicted to be benign by multiple in silico algorithms, and/or has population frequency not consistent with disease.

NM_001267550.2(TTN):c.42483T>C (p.Phe14161=)

Gene: TTN (titin; minus strand). Cytogenetic location: 2q31.2.
Variant type: single nucleotide variant.
Coding change: c.42483T>C on transcript NM_001267550.2 (MANE Select); coding-DNA position 42483, T replaced by C.
Protein change: p.Phe14161=; no amino-acid change (phenylalanine 14161 retained).
Molecular consequence: synonymous variant.
Genome position (GRCh38, 1-based): chr2:178,634,016, A>G on the plus strand (T>C on the coding strand, the complement: TTN is on the minus strand). VCF-style: chr2-178634016-A-G. GRCh37 (hg19) VCF-style: chr2-179498743-A-G.
Other names: c.37560T>C, p.Phe12520= (NM_001256850.1); c.15288T>C, p.Phe5096= (NM_003319.4); c.34779T>C, p.Phe11593= (NM_133378.4); c.15663T>C, p.Phe5221= (NM_133432.3); c.15864T>C, p.Phe5288= (NM_133437.4).
Identifiers: ClinVar variation 668363 (VCV000668363.6), dbSNP rs1229612568, ClinGen allele CA430277378.
Genomic context (GRCh38, chr2:178,634,016, plus strand): 5'-GAGTTTGGCATCATTTTTGAACCAGACTACATGCATTTTTTCATGAGAAAGTTCACAAAC[A>G]AAAGTTGCTGTTTCACCTTCTTTTACTGTTTGATCTTCAAGAGGTGACATGAATTTCAGT-3'
Protein context (NP_001254479.2, residues 14151-14171): QTVKEGETAT[Phe14161=]VCELSHEKMH